The following is an entry in ClinVar:

NM_032607.3(CREB3L3):c.1095C>T (p.Asn365=)

Gene: CREB3L3 (cAMP responsive element binding protein 3 like 3; plus strand). Cytogenetic location: 19p13.3.
Variant type: single nucleotide variant.
Coding change: c.1095C>T on transcript NM_032607.3 (MANE Select); coding-DNA position 1095, C replaced by T.
Protein change: p.Asn365=; no amino-acid change (asparagine 365 retained).
Molecular consequence: synonymous variant. On other transcripts: nonsense (1).
Genome position (GRCh38, 1-based): chr19:4,171,678, C>T. VCF-style: chr19-4171678-C-T. GRCh37 (hg19) VCF-style: chr19-4171675-C-T.
Other names: c.1092C>T, p.Asn364= (NM_001271995.2); c.1089C>T, p.Asn363= (NM_001271996.2); c.988C>T, p.Arg330Ter (NM_001271997.2); short protein forms R330*.
Identifiers: ClinVar variation 3045756 (VCV003045756.2), dbSNP rs754995668, ClinGen allele CA9091618.

ClinVar aggregate classification (germline): Likely benign (0 of 4 stars; one submission).

Conditions:
CREB3L3-related disorder. Also called: CREB3L3-related condition.

Allele frequency attached by ClinVar (database versions not stated): ExAC 0.00001; gnomAD 0.00001; TOPMed 0.00002.
gnomAD v4.1: 18 of 1,613,226 alleles (0.0011%); highest among the groups gnomAD compares: South Asian, 0.0033%; no homozygotes.

Submission:

PreventionGenetics, part of Exact Sciences
Classification: Likely benign for CREB3L3-related condition. Last evaluated: 2019-11-14. Review status: no assertion criteria provided. Collection method: clinical testing. Allele origin: germline.
Comment: This variant is classified as likely benign based on ACMG/AMP sequence variant interpretation guidelines (Richards et al. 2015 PMID: 25741868, with internal and published modifications).